The following is an entry in ClinVar:

ClinVar aggregate classification (germline): Benign/Likely benign. Review status: criteria provided, multiple submitters, no conflicts (2 of 4 stars). 7 submissions from 7 submitters: Benign (4); Likely benign (1). 2 of the submissions do not count toward it. Last evaluated 2026-02-04.

Conditions:
Aortic aneurysm, familial thoracic 7 (AAT7). Also called: AORTIC DISSECTION, FAMILIAL, WITH OR WITHOUT AORTIC ANEURYSM. Identifiers: MedGen C3151077, MONDO:0013418, OMIM 613780.
Megacystis-microcolon-intestinal hypoperistalsis syndrome 1. Identifiers: MedGen C5542316, MONDO:0100354, OMIM 249210.

Allele frequency attached by ClinVar (database versions not stated): TOPMed 0.01714; 1000 Genomes Project 30x 0.01827; gnomAD exomes 0.00139 and 0.00354; ExAC 0.00452; gnomAD 0.01444 and 0.01553; ESP Exome Variant Server 0.01453; 1000 Genomes Project 0.01677.
gnomAD v4.1: 4,304 of 1,610,352 alleles (0.27%); highest among the groups gnomAD compares: African/African-American, 5.1%; 106 homozygotes.

Submissions (7):

Labcorp Genetics (formerly Invitae), Labcorp
Classification: Benign for Aortic aneurysm, familial thoracic 7. Last evaluated: 2026-02-04. Review status: criteria provided, single submitter. Criteria: Invitae Variant Classification Sherloc (09022015). Collection method: clinical testing. Allele origin: germline.

ARUP Laboratories, Molecular Genetics and Genomics, ARUP Laboratories
Classification: Benign. Last evaluated: 2024-11-18. Review status: criteria provided, single submitter. Criteria: ARUP Molecular Germline Variant Investigation Process 2024. Collection method: clinical testing. Allele origin: germline.

Fulgent Genetics
Classification: Likely benign for Megacystis-microcolon-intestinal hypoperistalsis syndrome 1; Aortic aneurysm, familial thoracic 7. Last evaluated: 2022-04-27. Review status: criteria provided, single submitter. Criteria: ACMG Guidelines, 2015. Collection method: clinical testing. Allele origin: unknown.

Women's Health and Genetics/Laboratory Corporation of America, LabCorp
Classification: Benign. Last evaluated: 2020-03-30. Review status: criteria provided, single submitter. Criteria: LabCorp Variant Classification Summary - May 2015. Collection method: clinical testing. Allele origin: germline.
Comment: Variant summary: MYLK c.1516+16C>T alters a non-conserved nucleotide located close to a canonical splice site and therefore could affect mRNA splicing, leading to a significantly altered protein sequence. Several computational tools predict a significant impact on normal splicing: Two predict the variant creates a 5' donor site. However, these predictions have yet to be confirmed by functional studies. The variant allele was found at a frequency of 0.0035 in 250780 control chromosomes, predominantly at a frequency of 0.048 within the African or African-American subpopulation in the gnomAD database, including 16 homozygotes. The observed variant frequency within African or African-American control individuals in the gnomAD database is approximately 1920 fold of the estimated maximal expected allele frequency for a pathogenic variant in MYLK causing Aortopathy phenotype (2.5e-05), strongly suggesting that the variant is a benign polymorphism found primarily in populations of African or African-American origin. To our knowledge, no occurrence of c.1516+16C>T in individuals affected with Aortopathy and no experimental evidence demonstrating its impact on protein function have been reported. One ClinVar submitter (evaluation after 2014) cites the variant as benign. Based on the evidence outlined above, the variant was classified as benign.

GeneDx
Classification: Benign. Last evaluated: 2016-11-04. Review status: criteria provided, single submitter. Criteria: GeneDx Variant Classification (06012015). Collection method: clinical testing. Allele origin: germline. Affected: yes.
Comment: This variant is considered likely benign or benign based on one or more of the following criteria: it is a conservative change, it occurs at a poorly conserved position in the protein, it is predicted to be benign by multiple in silico algorithms, and/or has population frequency not consistent with disease.

Clinical Genetics DNA and cytogenetics Diagnostics Lab, Erasmus MC, Erasmus Medical Center
Classification: Benign. Review status: no assertion criteria provided. Collection method: clinical testing. Allele origin: germline. Affected: yes. Study: VKGL Data-share Consensus. Not counted in ClinVar's aggregate classification.

Genome Diagnostics Laboratory, Amsterdam University Medical Center
Classification: Benign. Review status: no assertion criteria provided. Collection method: clinical testing. Allele origin: germline. Affected: yes. Study: VKGL Data-share Consensus. Not counted in ClinVar's aggregate classification.

NM_053025.4(MYLK):c.1516+16C>T

Gene: MYLK (myosin light chain kinase; minus strand). Cytogenetic location: 3q21.1.
Variant type: single nucleotide variant.
Coding change: c.1516+16C>T on transcript NM_053025.4 (MANE Select); 16 bases into the intron after coding-DNA position 1516, C replaced by T.
Molecular consequence: intron variant.
Genome position (GRCh38, 1-based): chr3:123,732,880, G>A on the plus strand (C>T on the coding strand, the complement: MYLK is on the minus strand). VCF-style: chr3-123732880-G-A. GRCh37 (hg19) VCF-style: chr3-123451727-G-A.
Other names: c.988+16C>T (NM_001321309.2); c.1309+807C>T (NM_053028.4, NM_053026.4); c.1516+16C>T (NM_053027.4).
Identifiers: ClinVar variation 386365 (VCV000386365.23), dbSNP rs77590783, ClinGen allele CA067144.
Genomic context (GRCh38, chr3:123,732,880, plus strand): 5'-CATCTGCAGAAGGTGAAGCACCCCATGAATGGTTGTCCCACAGAGAATGCGGGGTGACCT[G>A]GAGAAGTGTACTCACTTTCCACTTGGAGGGTCCAGCTACAGGACAGCTGGCCTTGGGCGT-3'